The following is an entry in ClinVar:

NM_201384.3(PLEC):c.6250G>A (p.Glu2084Lys)

Gene: PLEC (plectin; minus strand). Cytogenetic location: 8q24.3.
Variant type: single nucleotide variant.
Coding change: c.6250G>A on transcript NM_201384.3 (MANE Select); coding-DNA position 6250, G replaced by A.
Protein change: p.Glu2084Lys; replaces glutamic acid 2084 with lysine.
Molecular consequence: missense variant.
Genome position (GRCh38, 1-based): chr8:143,923,679, C>T on the plus strand (G>A on the coding strand, the complement: PLEC is on the minus strand). VCF-style: chr8-143923679-C-T. GRCh37 (hg19) VCF-style: chr8-144997847-C-T.
Other names: c.6331G>A, p.Glu2111Lys (NM_000445.5); c.6208G>A, p.Glu2070Lys (NM_201378.4); c.6184G>A, p.Glu2062Lys (NM_201379.3); c.6661G>A, p.Glu2221Lys (NM_201380.4); c.6154G>A, p.Glu2052Lys (NM_201381.3); c.6250G>A, p.Glu2084Lys (NM_201382.4); c.6262G>A, p.Glu2088Lys (NM_201383.3); short protein forms E2062K, E2111K, E2070K, E2221K, E2052K, E2084K, E2088K.
Identifiers: ClinVar variation 580690 (VCV000580690.6), dbSNP rs1554693665, ClinGen allele CA372537571.

ClinVar aggregate classification (germline): Uncertain significance (1 of 4 stars; one submission).

Conditions:
Epidermolysis bullosa simplex 5C, with pyloric atresia (EBS5C). Also called: PLEC1-Related Epidermolysis Bullosa with Pyloric Atresia; PLEC-Related Epidermolysis Bullosa with Pyloric Atresia; Epidermolysis bullosa simplex with pyloric atresia. Identifiers: Orphanet 158684, MedGen C2677349, MONDO:0012807, OMIM 612138.
Epidermolysis bullosa simplex with nail dystrophy (EBS5D). Identifiers: MedGen C4225309, MONDO:0014661, OMIM 616487.
Autosomal recessive limb-girdle muscular dystrophy type 2Q (LGMDR17). Also called: MUSCULAR DYSTROPHY, LIMB-GIRDLE, AUTOSOMAL RECESSIVE 17. Identifiers: Orphanet 254361, MedGen C3150989, MONDO:0013390, OMIM 613723.
Epidermolysis bullosa simplex 5B, with muscular dystrophy (EBS5B). Also called: Epidermolysis bullosa simplex with muscular dystrophy; EPIDERMOLYSIS BULLOSA SIMPLEX AND LIMB-GIRDLE MUSCULAR DYSTROPHY. Identifiers: Orphanet 257, MedGen C2931072, MONDO:0009181, OMIM 226670.
Epidermolysis bullosa simplex, Ogna type (EBS5A). Also called: Pidermolysis bullosa simplex 5A, Ogna type; EPIDERMOLYSIS BULLOSA SIMPLEX 5A, OGNA TYPE. Identifiers: Orphanet 79401, MedGen C0432317, MONDO:0007555, OMIM 131950.

Allele frequency attached by ClinVar (database versions not stated): gnomAD exomes 0.00001.
gnomAD v4.1: 1 of 1,549,280 alleles (0.000065%); no homozygotes.

Submission:

Labcorp Genetics (formerly Invitae), Labcorp
Classification: Uncertain significance for Autosomal recessive limb-girdle muscular dystrophy type 2Q; Epidermolysis bullosa simplex, Ogna type; Epidermolysis bullosa simplex with nail dystrophy; Epidermolysis bullosa simplex 5C, with pyloric atresia; Epidermolysis bullosa simplex 5B, with muscular dystrophy. Last evaluated: 2022-10-13. Review status: criteria provided, single submitter. Criteria: Invitae Variant Classification Sherloc (09022015). Collection method: clinical testing. Allele origin: germline.
Comment: This variant is not present in population databases (gnomAD no frequency). This sequence change replaces glutamic acid, which is acidic and polar, with lysine, which is basic and polar, at codon 2111 of the PLEC protein (p.Glu2111Lys). This variant has not been reported in the literature in individuals affected with PLEC-related conditions. In summary, the available evidence is currently insufficient to determine the role of this variant in disease. Therefore, it has been classified as a Variant of Uncertain Significance. Algorithms developed to predict the effect of missense changes on protein structure and function are either unavailable or do not agree on the potential impact of this missense change (SIFT: "Deleterious"; PolyPhen-2: "Benign"; Align-GVGD: "Class C0"). ClinVar contains an entry for this variant (Variation ID: 580690).